The following is an entry in ClinVar:

ClinVar aggregate classification (germline): Uncertain significance (1 of 4 stars; one submission).

Submission:

Care4Rare-SOLVE, CHEO
Classification: Uncertain significance. Last evaluated: 2026-05-29. Review status: criteria provided, single submitter. Criteria: ACMG Guidelines, 2015. Collection method: clinical testing. Allele origin: paternal. Inheritance: Autosomal recessive inheritance. Affected: yes.
Comment: The c.596T>A missense variant is rare in gnomAD v4.1 (2/1,571,044 alleles; AF=0.00013%) with no homozygotes and is predicted to be deleterious (REVEL 0.65; CADD 24)

NM_001039803.3(CDK20):c.569T>A (p.Val190Glu)

Gene: CDK20 (cyclin dependent kinase 20; minus strand). Cytogenetic location: 9q22.1.
Variant type: single nucleotide variant.
Coding change: c.569T>A on transcript NM_001039803.3 (MANE Select); coding-DNA position 569, T replaced by A.
Protein change: p.Val190Glu; replaces valine 190 with glutamic acid.
Molecular consequence: missense variant. On other transcripts: intron variant (1).
Genome position (GRCh38, 1-based): chr9:87,969,914, A>T on the plus strand (T>A on the coding strand, the complement: CDK20 is on the minus strand). VCF-style: chr9-87969914-A-T. GRCh37 (hg19) VCF-style: chr9-90584829-A-T.
Other names: c.506T>A, p.Val169Glu (NM_001170639.2, NM_012119.5); c.545T>A, p.Val182Glu (NM_178432.4); c.501-565T>A (NM_001170640.2); short protein forms V169E, V182E, V190E.
Identifiers: ClinVar variation 4852898 (VCV004852898.1).
Genomic context (GRCh38, chr9:87,969,914, plus strand): 5'-ATATCGTTCTTGCCCGGGAAAAGGGGGGACCCATTCAACAGCTCCCCCATGATGCAGCCC[A>T]CAGACCTGTGGACACAGAGCCCCAAGCAGGTCAGAGATCTCCCACCATGGACCACAGACC-3'
Protein context (NP_001034892.1, residues 180-200): QYDQGVDLWS[Val190Glu]GCIMGELLNG